The following is an entry in ClinVar:

ClinVar aggregate classification (germline): Likely benign. Review status: criteria provided, multiple submitters, no conflicts (2 of 4 stars). 3 submissions from 3 submitters: Likely benign (2). 1 of the submissions does not count toward it. Last evaluated 2025-10-06.

Conditions:
Autosomal recessive limb-girdle muscular dystrophy type 2O. Also called: Limb-Girdle Muscular Dystrophy Type 3C; MUSCULAR DYSTROPHY-DYSTROGLYCANOPATHY (LIMB-GIRDLE), TYPE C, 3; MUSCULAR DYSTROPHY-DYSTROGLYCANOPATHY, LIMB-GIRDLE, POMGNT1-RELATED. Identifiers: Orphanet 206564, MedGen C3150417, MONDO:0013161, OMIM 613157.
Muscular dystrophy-dystroglycanopathy (congenital with impaired intellectual development), type B, 3. Also called: Muscular dystrophy-dystroglycanopathy (congenital with intellectual disability), type B3; MUSCULAR DYSTROPHY, CONGENITAL, POMGNT1-RELATED. Identifiers: MedGen C3150412, MONDO:0013155, OMIM 613151.
POMGNT1-related disorder. Also called: POMGNT1-related disorders; POMGNT1-related condition. Identifiers: MedGen CN239299.

Allele frequency attached by ClinVar (database versions not stated): TOPMed below 0.00001; gnomAD 0.00001 and below 0.00001; ESP Exome Variant Server 0.00008; gnomAD exomes 0.00001; ExAC 0.00002.
gnomAD v4.1: 15 of 1,614,020 alleles (0.00093%); highest among the groups gnomAD compares: African/African-American, 0.004%; no homozygotes.

Submissions (3):

Labcorp Genetics (formerly Invitae), Labcorp
Classification: Likely benign for Autosomal recessive limb-girdle muscular dystrophy type 2O; Muscular dystrophy-dystroglycanopathy (congenital with impaired intellectual development), type B, 3. Last evaluated: 2025-10-06. Review status: criteria provided, single submitter. Criteria: Invitae Variant Classification Sherloc (09022015). Collection method: clinical testing. Allele origin: germline.

Blueprint Genetics
Classification: Likely benign. Last evaluated: 2024-08-27. Review status: criteria provided, single submitter. Criteria: ACMG Guidelines, 2015. Collection method: clinical testing. Allele origin: germline.

PreventionGenetics, part of Exact Sciences
Classification: Likely benign for POMGNT1-related condition. Last evaluated: 2020-06-23. Review status: no assertion criteria provided. Collection method: clinical testing. Allele origin: germline. Not counted in ClinVar's aggregate classification.
Comment: This variant is classified as likely benign based on ACMG/AMP sequence variant interpretation guidelines (Richards et al. 2015 PMID: 25741868, with internal and published modifications).

NM_017739.4(POMGNT1):c.1509C>T (p.Ile503=)

Genes: POMGNT1 (protein O-linked mannose N-acetylglucosaminyltransferase 1 (beta 1,2-); minus strand), TSPAN1 (tetraspanin 1; plus strand). Cytogenetic location: 1p34.1.
Variant type: single nucleotide variant.
Coding change: c.1509C>T on transcript NM_017739.4 (MANE Select); coding-DNA position 1509, C replaced by T.
Protein change: p.Ile503=; no amino-acid change (isoleucine 503 retained).
Molecular consequence: synonymous variant.
Genome position (GRCh38, 1-based): chr1:46,192,128, G>A on the plus strand (C>T on the coding strand, the complement: POMGNT1 is on the minus strand). VCF-style: chr1-46192128-G-A. GRCh37 (hg19) VCF-style: chr1-46657800-G-A.
Other names: c.1509C>T, p.Ile503= (NM_001243766.2, NM_001410783.1); c.1443C>T, p.Ile481= (NM_001290129.3); c.1080C>T, p.Ile360= (NM_001290130.2).
Identifiers: ClinVar variation 471402 (VCV000471402.15), dbSNP rs370215834, ClinGen allele CA833348.